The following is an entry in ClinVar:

NM_018723.4(RBFOX1):c.888C>T (p.Gly296=)

Gene: RBFOX1 (RNA binding fox-1 homolog 1; plus strand). Cytogenetic location: 16p13.3.
Variant type: single nucleotide variant.
Coding change: c.888C>T on transcript NM_018723.4 (MANE Select); coding-DNA position 888, C replaced by T.
Protein change: p.Gly296=; no amino-acid change (glycine 296 retained).
Molecular consequence: synonymous variant.
Genome position (GRCh38, 1-based): chr16:7,653,945, C>T. VCF-style: chr16-7653945-C-T. GRCh37 (hg19) VCF-style: chr16-7703947-C-T.
Other names: c.807C>T, p.Gly269= (NM_001142333.2); c.888C>T, p.Gly296= (NM_001142334.2, NM_001364800.2); c.1017C>T, p.Gly339= (NM_001308117.1); c.948C>T, p.Gly316= (NM_145891.3, NM_145892.3, NM_145893.3).
Identifiers: ClinVar variation 864703 (VCV000864703.12), dbSNP rs921443679, ClinGen allele CA277386916.

ClinVar aggregate classification (germline): Uncertain significance (1 of 4 stars; one submission).

Conditions:
Idiopathic generalized epilepsy. Also called: EIG; Generalised epilepsy. Identifiers: MedGen C0270850, MONDO:0005579, OMIM 600669.

Allele frequency attached by ClinVar (database versions not stated): gnomAD exomes 0.00001; gnomAD 0.00002; TOPMed 0.00002.

Submission:

Labcorp Genetics (formerly Invitae), Labcorp
Classification: Uncertain significance for Idiopathic generalized epilepsy. Last evaluated: 2022-02-24. Review status: criteria provided, single submitter. Criteria: Invitae Variant Classification Sherloc (09022015). Collection method: clinical testing. Allele origin: germline.
Comment: This variant has not been reported in the literature in individuals affected with RBFOX1-related conditions. This variant is present in population databases (no rsID available, gnomAD 0.01%). This sequence change affects codon 316 of the RBFOX1 mRNA. It is a 'silent' change, meaning that it does not change the encoded amino acid sequence of the RBFOX1 protein. ClinVar contains an entry for this variant (Variation ID: 864703). In summary, the available evidence is currently insufficient to determine the role of this variant in disease. Therefore, it has been classified as a Variant of Uncertain Significance. Algorithms developed to predict the effect of sequence changes on RNA splicing suggest that this variant may create or strengthen a splice site.